The following is an entry in ClinVar:

NC_000010.10:g.(?_55581618)_(56424022_?)del

Gene: PCDH15 (protocadherin related 15; minus strand). Cytogenetic location: 10q21.1.
Variant type: Deletion.
Identifiers: ClinVar variation 1459136 (VCV001459136.5).

ClinVar aggregate classification (germline): Pathogenic (1 of 4 stars; one submission).

Submission:

Labcorp Genetics (formerly Invitae), Labcorp
Classification: Pathogenic. Last evaluated: 2024-01-25. Review status: criteria provided, single submitter. Criteria: Invitae Variant Classification Sherloc (09022015). Collection method: clinical testing. Allele origin: germline.
Comment: A gross deletion of the genomic region encompassing the full coding sequence of the PCDH15 gene has been identified. Loss-of-function variants in PCDH15 are known to be pathogenic (PMID: 11398101, 11487575, 14570705). The boundaries of this event are unknown as they extend beyond the assayed region for this gene and therefore may encompass additional genes. This variant has not been reported in the literature in individuals affected with PCDH15-related conditions. For these reasons, this variant has been classified as Pathogenic.

Literature cited by the submitters: PubMed 11398101; PubMed 11487575; PubMed 14570705.